The following is an entry in ClinVar:

ClinVar aggregate classification (germline): Uncertain significance. Review status: criteria provided, multiple submitters, no conflicts (2 of 4 stars). 3 submissions from 3 submitters: Uncertain significance (3). Last evaluated 2025-09-02.

Conditions:
Tuberous sclerosis syndrome (TSC). Also called: Tuberous Sclerosis Complex; Tuberous sclerosis. Identifiers: Orphanet 805, MedGen C0041341, MONDO:0001734.
Tuberous sclerosis 1 (TSC1). Identifiers: Orphanet 805, MedGen C1854465, MONDO:0008612, OMIM 191100.
Hereditary cancer-predisposing syndrome. Also called: Hereditary neoplastic syndrome; Tumor predisposition; Hereditary Cancer Syndrome; Neoplastic Syndromes, Hereditary. Identifiers: Orphanet 140162, MedGen C0027672, MeSH D009386, MONDO:0015356.

Submissions (3):

Labcorp Genetics (formerly Invitae), Labcorp
Classification: Uncertain significance for Tuberous sclerosis 1. Last evaluated: 2025-09-02. Review status: criteria provided, single submitter. Criteria: Invitae Variant Classification Sherloc (09022015). Collection method: clinical testing. Allele origin: germline.
Comment: This variant, c.1436_1438del, results in the deletion of 1 amino acid(s) of the TSC1 protein (p.Glu479del), but otherwise preserves the integrity of the reading frame. This variant is present in population databases (no rsID available, gnomAD 0.007%). This variant has not been reported in the literature in individuals affected with TSC1-related conditions. ClinVar contains an entry for this variant (Variation ID: 580371). Experimental studies and prediction algorithms are not available or were not evaluated, and the functional significance of this variant is currently unknown. Algorithms developed to predict the effect of sequence changes on RNA splicing suggest that this variant may disrupt the consensus splice site. In summary, the available evidence is currently insufficient to determine the role of this variant in disease. Therefore, it has been classified as a Variant of Uncertain Significance.

Color Diagnostics, LLC DBA Color Health
Classification: Uncertain significance for Tuberous sclerosis syndrome. Last evaluated: 2025-05-28. Review status: criteria provided, single submitter. Criteria: ACMG Guidelines, 2015. Collection method: clinical testing. Allele origin: germline.
Comment: This variant causes an in-frame deletion on one amino acid at codon 479 in the TSC1 protein. Splice prediction tools suggest that this variant may disrupt RNA splicing. To our knowledge, RNA studies have not been reported for this variant. This variant has not been reported in individuals affected with TSC1-related disorders in the literature. This variant has been identified in 1/250050 chromosomes in the general population by the Genome Aggregation Database (gnomAD). The available evidence is insufficient to determine the role of this variant in disease conclusively. Therefore, this variant is classified as a Variant of Uncertain Significance.

Ambry Genetics
Classification: Uncertain significance for Hereditary cancer-predisposing syndrome. Last evaluated: 2024-07-03. Review status: criteria provided, single submitter. Criteria: Ambry Variant Classification Scheme 2023. Collection method: clinical testing. Allele origin: germline.
Comment: The c.1436_1438delAAG variant (also known as p.E479del) is located in coding exon 12 of the TSC1 gene. This variant results from an in-frame AAG deletion at nucleotide positions 1436 to 1438. This results in the in-frame deletion of a glutamic acid at codon 479. These nucleotides are highly conserved in available vertebrate species. This amino acid position is highly conserved in available vertebrate species. In silico splice site analysis predicts that this alteration will weaken the native splice donor site and will result in the creation or strengthening of a novel splice donor site. RNA studies have demonstrated that this alteration results in a transcript predicted to lead to a protein with an in-frame deletion of one amino acid; however, the exact functional impact of the deleted amino acid is unknown at this time (Ambry internal data). Based on the available evidence, the clinical significance of this variant remains unclear.

NM_000368.5(TSC1):c.1430AAG[2] (p.Glu479del)

Gene: TSC1 (TSC complex subunit 1; minus strand). Cytogenetic location: 9q34.13.
Variant type: Microsatellite.
Coding change: c.1430AAG[2] on transcript NM_000368.5 (MANE Select); two copies in a row of the 3-base unit AAG starting at c.1430; the reference has three copies in a row; one copy, 3 bases deleted; also written c.1436_1438del.
Protein change: p.Glu479del; deletes glutamic acid 479.
Molecular consequence: inframe deletion.
Genome position (GRCh38, 1-based): chr9:132,906,731-132,906,733, CTT deleted on the plus strand (AAG on the coding strand, the reverse complement: TSC1 is on the minus strand); deleting any 3 consecutive bases within chr9:132,906,731-132,906,739 gives the same sequence; the position shown is the placement nearest the transcript's 3' end. VCF-style (leftmost placement, unchanged base first): chr9-132906730-CCTT-C. GRCh37 (hg19) VCF-style: chr9-135782117-CCTT-C.
Other names: c.1277AAG[2], p.Glu428del (NM_001162427.2); c.1067AAG[2], p.Glu358del (NM_001362177.2); c.1427AAG[2], p.Glu478del (NM_001162426.2); c.1436_1438del (NM_000368.5); c.1436_1438delAAG (NM_000368.4); short protein forms E479del, E358del, E478del, E428del.
Identifiers: ClinVar variation 580371 (VCV000580371.11), dbSNP rs1233867963, ClinGen allele CA591048609.
Genomic context (GRCh38, chr9:132,906,730, plus strand): 5'-CAGATTTATAGCAGAGCGAGGGTCAGGTTTTATCAACTCATAGCAATCCCACATACATTA[CCTT>C]CTTCTTTATCTTTTTCAATACTATCTTCTTCAGAGGCCAGATCACCTAAAAACCCTGGAA-3'